The following is an entry in ClinVar:

ClinVar aggregate classification (germline): Uncertain significance (1 of 4 stars; one submission).

Submission:

Labcorp Genetics (formerly Invitae), Labcorp
Classification: Uncertain significance. Last evaluated: 2022-02-05. Review status: criteria provided, single submitter. Criteria: Invitae Variant Classification Sherloc (09022015). Collection method: clinical testing. Allele origin: germline.
Comment: This variant is not present in population databases (gnomAD no frequency). This variant has not been reported in the literature in individuals affected with OPN1SW-related conditions. ClinVar contains an entry for this variant (Variation ID: 844547). Algorithms developed to predict the effect of missense changes on protein structure and function are either unavailable or do not agree on the potential impact of this missense change (SIFT: "Deleterious"; PolyPhen-2: "Possibly Damaging"; Align-GVGD: "Class C0"). In summary, the available evidence is currently insufficient to determine the role of this variant in disease. Therefore, it has been classified as a Variant of Uncertain Significance. This sequence change replaces alanine, which is neutral and non-polar, with threonine, which is neutral and polar, at codon 232 of the OPN1SW protein (p.Ala232Thr).

NC_000007.14:g.128773882C>T

Gene: OPN1SW (opsin 1, short wave sensitive; minus strand). Cytogenetic location: 7q32.1.
Variant type: single nucleotide variant.
Genome position: GRCh38 VCF-style: chr7-128773882-C-T. GRCh37 (hg19) VCF-style: chr7-128413936-C-T.
Other names: NM_001708.2:c.694G>A.
Identifiers: ClinVar variation 844547 (VCV000844547.11), dbSNP rs965126698, ClinGen allele CA369218185.
Genomic context (GRCh38, chr7:128,773,882, plus strand): 5'-CCACCATGCGGCTCACCTCCCGTTCAGCCTTCTGGGTCGTAGCTGACTCCTGCTGCTGAG[C>T]TGCAACCTGGGGTGGAGCACGGAAAGCATCACATCTCTCTTTTTCCTGGCCCTCTGGATG-3'